The following is an entry in ClinVar:

ClinVar aggregate classification (germline): Likely pathogenic (1 of 4 stars; one submission).

Conditions:
Alagille syndrome due to a JAG1 point mutation. Also called: HEPATIC DUCTULAR HYPOPLASIA, SYNDROMATIC; Alagille Syndrome 1; JAG1-Related Alagille Syndrome. Identifiers: Orphanet 261619, Orphanet 52, MedGen C1956125, MONDO:0016862, OMIM 118450.

Submission:

Molecular Genetics Laboratory, CHU Lille
Classification: Likely pathogenic for Alagille syndrome due to a JAG1 point mutation. Last evaluated: 2026-08-19. Review status: criteria provided, single submitter. Criteria: ACMG Guidelines, 2015. Collection method: clinical testing. Allele origin: germline. Affected: yes.
Comment: This variant creates a premature translational stop signal (p.Gly934AlafsTer11), likely leading to an absent or disrupted protein product. Furthermore, it is absent from public databases including gnomAD. In summary, this variant meets the criteria to be classified as likely pathogenic for alagille syndrome based on the applied ACMG/AMP guidelines (PVS1, PM2).

NM_000214.3(JAG1):c.2801del (p.Gly934fs)

Gene: JAG1 (jagged canonical Notch ligand 1; minus strand). Cytogenetic location: 20p12.2.
Variant type: Deletion.
Coding change: c.2801del on transcript NM_000214.3 (MANE Select); coding-DNA position 2801, one base deleted (G; older notation c.2801delG).
Protein change: p.Gly934fs; shifts the reading frame from glycine 934.
Molecular consequence: frameshift variant.
Genome position (GRCh38, 1-based): chr20:10,641,575, C deleted on the plus strand (G on the coding strand, the reverse complement: JAG1 is on the minus strand); the first of 3 consecutive C bases (chr20:10,641,575-10,641,577); deleting any one gives the same sequence. VCF-style (leftmost placement, unchanged base first): chr20-10641574-GC-G. GRCh37 (hg19) VCF-style: chr20-10622222-GC-G.
Other names: short protein forms G934fs.
Identifiers: ClinVar variation 4886938 (VCV004886938.1).